The following is an entry in ClinVar:

ClinVar aggregate classification (germline): Uncertain significance (1 of 4 stars; one submission).

Conditions:
Agammaglobulinemia 8, autosomal dominant (AGM8A). Also called: AGAMMAGLOBULINEMIA, AUTOSOMAL DOMINANT, DUE TO TCF3 DEFECT; AGAMMAGLOBULINEMIA 8A, AUTOSOMAL DOMINANT. Identifiers: MedGen C4310786, MONDO:0014840, OMIM 616941.

gnomAD v4.1: 6 of 1,578,184 alleles (0.00038%); highest among the groups gnomAD compares: Non-Finnish European, 0.00043%; no homozygotes.

Submission:

Neuberg Centre For Genomic Medicine, NCGM
Classification: Uncertain significance for Agammaglobulinemia 8, autosomal dominant. Review status: criteria provided, single submitter. Criteria: ACMG Guidelines, 2015. Collection method: clinical testing. Allele origin: germline. Affected: yes.
Comment: The missense variant p.A374D in TCF3 (NM_003200.5) has not been reported previously as a pathogenic variant nor as a benign variant, to our knowledge. The p.A374D variant is novel (not in any individuals) in gnomAD Exomes and is novel (not in any individuals) in 1000 Genomes. There is a moderate physicochemical difference between alanine and aspartic acid. The p.A374D missense variant is predicted to be damaging by both SIFT and PolyPhen2. The nucleotide c.1121 in TCF3 is predicted conserved by GERP++ and PhyloP across 100 vertebrates. For these reasons, this variant has been classified as Uncertain Significance.

NM_003200.5(TCF3):c.1121C>A (p.Ala374Asp)

Gene: TCF3 (transcription factor 3; minus strand). Cytogenetic location: 19p13.3.
Variant type: single nucleotide variant.
Coding change: c.1121C>A on transcript NM_003200.5 (MANE Select); coding-DNA position 1121, C replaced by A.
Protein change: p.Ala374Asp; replaces alanine 374 with aspartic acid.
Molecular consequence: missense variant.
Genome position (GRCh38, 1-based): chr19:1,619,826, G>T on the plus strand (C>A on the coding strand, the complement: TCF3 is on the minus strand). VCF-style: chr19-1619826-G-T. GRCh37 (hg19) VCF-style: chr19-1619825-G-T.
Other names: c.1121C>A, p.Ala374Asp (NM_001136139.4, NM_001351778.2, NM_001351779.2); short protein forms A374D.
Identifiers: ClinVar variation 1339124 (VCV001339124.2), dbSNP rs753137385, ClinGen allele CA403053786.